The following is an entry in ClinVar:

ClinVar aggregate classification (germline): Conflicting classifications of pathogenicity. Review status: criteria provided, conflicting classifications (1 of 4 stars). 3 submissions from 3 submitters: Pathogenic (1); Likely pathogenic (1); Uncertain significance (1). Last evaluated 2025-01-24.

Conditions:
Neurofibromatosis, type 1 (NF1). Also called: Neurofibromatosis, type I; Peripheral type neurofibromatosis; VON RECKLINGHAUSEN DISEASE; NEUROFIBROMATOSIS, TYPE I, SOMATIC. Identifiers: Orphanet 636, MedGen C0027831, MONDO:0018975, OMIM 162200. Disease mechanism: loss of function.

Submissions (3):

Women's Health and Genetics/Laboratory Corporation of America, LabCorp
Classification: Uncertain significance. Last evaluated: 2025-01-24. Review status: criteria provided, single submitter. Criteria: LabCorp Variant Classification Summary - May 2015. Collection method: clinical testing. Allele origin: germline.
Comment: Variant summary: NF1 c.3250C>A (p.Pro1084Thr) results in a non-conservative amino acid change located in the outside of any known domain or repeat of the encoded protein sequence. Four of five in-silico tools predict a damaging effect of the variant on protein function. The variant was absent in 250720 control chromosomes. To our knowledge, no occurrence of c.3250C>A in individuals affected with Neurofibromatosis Type 1 and no experimental evidence demonstrating its impact on protein function have been reported. Other variant(s) that disrupt this residue have been determined to be pathogenic (Variation ID: 1199076, 527549). This suggests that this residue is clinically significant, and that variants that disrupt this residue are likely to be disease-causing. ClinVar contains an entry for this variant (Variation ID: 437407). Based on the evidence outlined above, the variant was classified as VUS-possibly pathogenic.

Labcorp Genetics (formerly Invitae), Labcorp
Classification: Likely pathogenic for Neurofibromatosis, type 1. Last evaluated: 2022-06-09. Review status: criteria provided, single submitter. Criteria: Invitae Variant Classification Sherloc (09022015). Collection method: clinical testing. Allele origin: germline.
Comment: This sequence change replaces proline, which is neutral and non-polar, with threonine, which is neutral and polar, at codon 1084 of the NF1 protein (p.Pro1084Thr). This variant is not present in population databases (gnomAD no frequency). In summary, the currently available evidence indicates that the variant is pathogenic, but additional data are needed to prove that conclusively. Therefore, this variant has been classified as Likely Pathogenic. This variant disrupts the p.Pro1084 amino acid residue in NF1. Other variant(s) that disrupt this residue have been determined to be pathogenic (PMID: 23656349, 29673180). This suggests that this residue is clinically significant, and that variants that disrupt this residue are likely to be disease-causing. Advanced modeling of protein sequence and biophysical properties (such as structural, functional, and spatial information, amino acid conservation, physicochemical variation, residue mobility, and thermodynamic stability) performed at Invitae indicates that this missense variant is expected to disrupt NF1 protein function. ClinVar contains an entry for this variant (Variation ID: 437407). This variant has not been reported in the literature in individuals affected with NF1-related conditions.

Center of Genomic medicine, Geneva, University Hospital of Geneva
Classification: Pathogenic for Neurofibromatosis, type 1. Last evaluated: 2017-03-17. Review status: criteria provided, single submitter. Criteria: ACMG Guidelines, 2015. Collection method: clinical testing. Allele origin: de novo. Affected: yes.

Literature cited by the submitters: PubMed 10678181 (cited by Women's Health and Genetics/Laboratory Corporation of America, LabCorp); PubMed 23460398 (cited by Women's Health and Genetics/Laboratory Corporation of America, LabCorp); PubMed 27069254 (cited by Women's Health and Genetics/Laboratory Corporation of America, LabCorp); PubMed 23656349 (cited by Labcorp Genetics (formerly Invitae), Labcorp); PubMed 29673180 (cited by Labcorp Genetics (formerly Invitae), Labcorp).

NM_001042492.3(NF1):c.3250C>A (p.Pro1084Thr)

Gene: NF1 (neurofibromin 1; plus strand). Cytogenetic location: 17q11.2.
Variant type: single nucleotide variant.
Coding change: c.3250C>A on transcript NM_001042492.3 (MANE Select); coding-DNA position 3250, C replaced by A.
Protein change: p.Pro1084Thr; replaces proline 1084 with threonine.
Molecular consequence: missense variant.
Genome position (GRCh38, 1-based): chr17:31,232,125, C>A. VCF-style: chr17-31232125-C-A. GRCh37 (hg19) VCF-style: chr17-29559143-C-A.
Other names: c.3250C>A, p.Pro1084Thr (NM_000267.4); short protein forms P1084T.
Identifiers: ClinVar variation 437407 (VCV000437407.11), dbSNP rs1555614848, ClinGen allele CA398988796.